The following is an entry in ClinVar:

ClinVar aggregate classification (germline): Likely benign. Review status: criteria provided, multiple submitters, no conflicts (2 of 4 stars). 2 submissions from 2 submitters: Likely benign (2). Last evaluated 2025-08-11.

Allele frequency attached by ClinVar (database versions not stated): ExAC 0.00005; TOPMed 0.00005; gnomAD 0.00006; gnomAD exomes 0.00006 and 0.00007; ESP Exome Variant Server 0.00008; 1000 Genomes Project 30x 0.00016; 1000 Genomes Project 0.00020.

Submissions (2):

Labcorp Genetics (formerly Invitae), Labcorp
Classification: Likely benign. Last evaluated: 2025-08-11. Review status: criteria provided, single submitter. Criteria: Invitae Variant Classification Sherloc (09022015). Collection method: clinical testing. Allele origin: germline.

CeGaT Center for Human Genetics Tuebingen
Classification: Likely benign. Last evaluated: 2024-02-01. Review status: criteria provided, single submitter. Criteria: CeGaT Center For Human Genetics Tuebingen Variant Classification Criteria Version 2. Collection method: clinical testing. Allele origin: germline. Affected: yes. Observed: 2 variant alleles.
Comment: DLL1: BP4, BP7

NM_005618.4(DLL1):c.1077C>T (p.Tyr359=)

Gene: DLL1 (delta like canonical Notch ligand 1; minus strand). Cytogenetic location: 6q27.
Variant type: single nucleotide variant.
Coding change: c.1077C>T on transcript NM_005618.4 (MANE Select); coding-DNA position 1077, C replaced by T.
Protein change: p.Tyr359=; no amino-acid change (tyrosine 359 retained).
Molecular consequence: synonymous variant.
Genome position (GRCh38, 1-based): chr6:170,285,091, G>A on the plus strand (C>T on the coding strand, the complement: DLL1 is on the minus strand). VCF-style: chr6-170285091-G-A. GRCh37 (hg19) VCF-style: chr6-170594179-G-A.
Identifiers: ClinVar variation 1335656 (VCV001335656.40), dbSNP rs145681739, ClinGen allele CA4106931.
Genomic context (GRCh38, chr6:170,285,091, plus strand): 5'-ACCCCCGTTAAAGCAAGGGCCGTCCGCACAGGTCATGGCACTCAATTCACAGATTTTGCC[G>A]TAGAAGCCGGGTGGGCAGGTACAGGAGTAGCTGTTCTCGAGATCCTACACGATGGAGAGG-3'
Protein context (NP_005609.3, residues 349-369): SYSCTCPPGF[Tyr359=]GKICELSAMT